The following is an entry in ClinVar:

ClinVar aggregate classification (germline): Uncertain significance (1 of 4 stars; one submission).

Conditions:
Classic or attenuated familial adenomatous polyposis. Identifiers: MedGen CN372698, MONDO:0021057.

Submission:

All of Us Research Program, National Institutes of Health
Classification: Uncertain significance for Classic or attenuated familial adenomatous polyposis. Last evaluated: 2023-08-23. Review status: criteria provided, single submitter. Criteria: ACMG Guidelines, 2015. Collection method: clinical testing. Allele origin: germline. Inheritance: Autosomal dominant inheritance. Observed: 1 variant allele, 1 heterozygote.
Comment: This missense variant replaces threonine with isoleucine at codon 2782 of the APC protein. Computational prediction suggests that this variant may not impact protein structure and function (internally defined REVEL score threshold <= 0.5, PMID: 27666373). To our knowledge, functional studies have not been reported for this variant. This variant has not been reported in individuals affected with APC-related disorders in the literature. This variant has not been identified in the general population by the Genome Aggregation Database (gnomAD). The available evidence is insufficient to determine the role of this variant in disease conclusively. Therefore, this variant is classified as a Variant of Uncertain Significance.

This study involves interpretation of variants in research participants for the purpose of population health screening. Participant phenotype was not available at the time of variant classification. Additional details can be found in publication PMID: 35346344, PMCID: PMC8962531

NM_000038.6(APC):c.8345C>T (p.Thr2782Ile)

Gene: APC (APC regulator of WNT signaling pathway; plus strand). Cytogenetic location: 5q22.2.
Variant type: single nucleotide variant.
Coding change: c.8345C>T on transcript NM_000038.6 (MANE Select); coding-DNA position 8345, C replaced by T.
Protein change: p.Thr2782Ile; replaces threonine 2782 with isoleucine.
Molecular consequence: missense variant. On other transcripts: non-coding transcript variant (2).
Genome position (GRCh38, 1-based): chr5:112,843,939, C>T. VCF-style: chr5-112843939-C-T. GRCh37 (hg19) VCF-style: chr5-112179636-C-T.
Other names: c.8168C>T, p.Thr2723Ile (NM_001354901.2, NM_001407453.1); c.8072C>T, p.Thr2691Ile (NM_001354902.2); c.8042C>T, p.Thr2681Ile (NM_001354903.2, NM_001407458.1, NM_001407459.1 and 1 more transcripts); c.7967C>T, p.Thr2656Ile (NM_001354904.2); c.7865C>T, p.Thr2622Ile (NM_001354905.2); c.7496C>T, p.Thr2499Ile (NM_001354906.2, NM_001407470.1); c.8429C>T, p.Thr2810Ile (NM_001407446.1); c.8399C>T, p.Thr2800Ile (NM_001407447.1, NM_001407448.1, NM_001407449.1 and 1 more transcripts); and 11 more; short protein forms T2398I, T2499I, T2622I, T2653I, T2656I, T2681I, T2691I, T2699I.
Identifiers: ClinVar variation 3073157 (VCV003073157.1), dbSNP rs1409585499, ClinGen allele CA16039439.